The following is an entry in ClinVar:

ClinVar aggregate classification (germline): Uncertain significance. Review status: criteria provided, multiple submitters, no conflicts (2 of 4 stars). 3 submissions from 3 submitters: Uncertain significance (3). Last evaluated 2026-07-01.

Allele frequency attached by ClinVar (database versions not stated): gnomAD exomes 0.00004 and 0.00005; TOPMed 0.00004.
gnomAD v4.1: 54 of 1,360,466 alleles (0.004%); highest among the groups gnomAD compares: East Asian, 0.085%; no homozygotes.

Submissions (3):

CeGaT Center for Human Genetics Tuebingen
Classification: Uncertain significance. Last evaluated: 2026-07-01. Review status: criteria provided, single submitter. Criteria: CeGaT Center For Human Genetics Tuebingen Variant Classification Criteria Version 2. Collection method: clinical testing. Allele origin: germline. Affected: yes. Observed: 1 variant allele.
Comment: PIEZO1: PM2, BP4

Mayo Clinic Laboratories, Mayo Clinic
Classification: Uncertain significance. Last evaluated: 2025-08-27. Review status: criteria provided, single submitter. Criteria: ACMG Guidelines, 2015. Collection method: clinical testing. Allele origin: germline. Observed: 3 variant alleles.
Comment: BP4_moderate

ARUP Laboratories, Molecular Genetics and Genomics, ARUP Laboratories
Classification: Uncertain significance. Last evaluated: 2017-10-02. Review status: criteria provided, single submitter. Criteria: ARUP Molecular Germline Variant Investigation Process. Collection method: clinical testing. Allele origin: germline.

Literature cited by the submitters: PubMed 37697358 (cited by Mayo Clinic Laboratories, Mayo Clinic).

NM_001142864.4(PIEZO1):c.4499G>A (p.Arg1500Gln)

Gene: PIEZO1 (piezo type mechanosensitive ion channel component 1 (Er blood group); minus strand). Cytogenetic location: 16q24.3.
Variant type: single nucleotide variant.
Coding change: c.4499G>A on transcript NM_001142864.4 (MANE Select); coding-DNA position 4499, G replaced by A.
Protein change: p.Arg1500Gln; replaces arginine 1500 with glutamine.
Molecular consequence: missense variant.
Genome position (GRCh38, 1-based): chr16:88,723,006, C>T on the plus strand (G>A on the coding strand, the complement: PIEZO1 is on the minus strand). VCF-style: chr16-88723006-C-T. GRCh37 (hg19) VCF-style: chr16-88789414-C-T.
Other names: c.4499G>A, p.Arg1500Gln (LRG_1137t1); short protein forms R1500Q.
Identifiers: ClinVar variation 618278 (VCV000618278.11), dbSNP rs1461948204, ClinGen allele CA397096815.